The following is an entry in ClinVar:

ClinVar aggregate classification (germline): Uncertain significance (1 of 4 stars; one submission).

Allele frequency attached by ClinVar (database versions not stated): ExAC 0.00002; gnomAD exomes 0.00002; TOPMed 0.00002; gnomAD 0.00004.
gnomAD v4.1: 36 of 1,613,978 alleles (0.0022%); highest among the groups gnomAD compares: Admixed American, 0.0067%; no homozygotes.

Submission:

Labcorp Genetics (formerly Invitae), Labcorp
Classification: Uncertain significance. Last evaluated: 2021-11-10. Review status: criteria provided, single submitter. Criteria: Invitae Variant Classification Sherloc (09022015). Collection method: clinical testing. Allele origin: germline.
Comment: This sequence change replaces proline, which is neutral and non-polar, with threonine, which is neutral and polar, at codon 650 of the GGCX protein (p.Pro650Thr). This variant is present in population databases (rs746489112, gnomAD 0.009%). This variant has not been reported in the literature in individuals affected with GGCX-related conditions. Algorithms developed to predict the effect of missense changes on protein structure and function (SIFT, PolyPhen-2, Align-GVGD) all suggest that this variant is likely to be tolerated. In summary, the available evidence is currently insufficient to determine the role of this variant in disease. Therefore, it has been classified as a Variant of Uncertain Significance.

NM_000821.7(GGCX):c.1948C>A (p.Pro650Thr)

Gene: GGCX (gamma-glutamyl carboxylase; minus strand). Cytogenetic location: 2p11.2.
Variant type: single nucleotide variant.
Coding change: c.1948C>A on transcript NM_000821.7 (MANE Select); coding-DNA position 1948, C replaced by A.
Protein change: p.Pro650Thr; replaces proline 650 with threonine.
Molecular consequence: missense variant.
Genome position (GRCh38, 1-based): chr2:85,550,691, G>T on the plus strand (C>A on the coding strand, the complement: GGCX is on the minus strand). VCF-style: chr2-85550691-G-T. GRCh37 (hg19) VCF-style: chr2-85777814-G-T.
Other names: c.1777C>A, p.Pro593Thr (NM_001142269.4); short protein forms P593T, P650T.
Identifiers: ClinVar variation 1396037 (VCV001396037.3), dbSNP rs746489112, ClinGen allele CA1741680.